The following is an entry in ClinVar:

ClinVar aggregate classification (germline): Uncertain significance. Review status: criteria provided, multiple submitters, no conflicts (2 of 4 stars). 3 submissions from 3 submitters: Uncertain significance (3). Last evaluated 2024-11-11.

Allele frequency attached by ClinVar (database versions not stated): gnomAD 0.00001; TOPMed 0.00001; ExAC 0.00002; gnomAD exomes 0.00002.
gnomAD v4.1: 26 of 1,613,832 alleles (0.0016%); highest among the groups gnomAD compares: East Asian, 0.0067%; no homozygotes.

Submissions (3):

Labcorp Genetics (formerly Invitae), Labcorp
Classification: Uncertain significance. Last evaluated: 2024-11-11. Review status: criteria provided, single submitter. Criteria: Invitae Variant Classification Sherloc (09022015). Collection method: clinical testing. Allele origin: germline.
Comment: This sequence change replaces arginine, which is basic and polar, with cysteine, which is neutral and slightly polar, at codon 494 of the CDC6 protein (p.Arg494Cys). This variant is present in population databases (rs773096521, gnomAD 0.008%). This variant has not been reported in the literature in individuals affected with CDC6-related conditions. ClinVar contains an entry for this variant (Variation ID: 1690476). An algorithm developed to predict the effect of missense changes on protein structure and function (PolyPhen-2) suggests that this variant is likely to be disruptive. In summary, the available evidence is currently insufficient to determine the role of this variant in disease. Therefore, it has been classified as a Variant of Uncertain Significance.

Ambry Genetics
Classification: Uncertain significance. Last evaluated: 2024-11-10. Review status: criteria provided, single submitter. Criteria: Ambry Variant Classification Scheme 2023. Collection method: clinical testing. Allele origin: germline.

Laboratorio de Genetica e Diagnostico Molecular, Hospital Israelita Albert Einstein
Classification: Uncertain significance. Last evaluated: 2021-10-22. Review status: criteria provided, single submitter. Criteria: ACMG Guidelines, 2015. Collection method: clinical testing. Allele origin: germline. Affected: yes.
Comment: ACMG classification criteria: PM2, BP4

NM_001254.4(CDC6):c.1480C>T (p.Arg494Cys)

Gene: CDC6 (cell division cycle 6; plus strand). Cytogenetic location: 17q21.2.
Variant type: single nucleotide variant.
Coding change: c.1480C>T on transcript NM_001254.4 (MANE Select); coding-DNA position 1480, C replaced by T.
Protein change: p.Arg494Cys; replaces arginine 494 with cysteine.
Molecular consequence: missense variant.
Genome position (GRCh38, 1-based): chr17:40,301,495, C>T. VCF-style: chr17-40301495-C-T. GRCh37 (hg19) VCF-style: chr17-38457747-C-T.
Other names: c.1480C>T (NM_001254.3); short protein forms R494C.
Identifiers: ClinVar variation 1690476 (VCV001690476.6), dbSNP rs773096521, ClinGen allele CA8542157.